The following is an entry in ClinVar:

NM_000179.3(MSH6):c.4001+3A>G

Gene: MSH6 (mutS homolog 6; plus strand). Cytogenetic location: 2p16.3.
Variant type: single nucleotide variant.
Coding change: c.4001+3A>G on transcript NM_000179.3 (MANE Select); 3 bases into the intron after coding-DNA position 4001, A replaced by G.
Molecular consequence: intron variant.
Genome position (GRCh38, 1-based): chr2:47,806,654, A>G. VCF-style: chr2-47806654-A-G. GRCh37 (hg19) VCF-style: chr2-48033793-A-G.
Other names: c.4001+3A>G (NM_001406809.1, NM_001406796.1, NM_001406808.1); c.3095+3A>G (NM_001406811.1, NM_001406814.1, NM_001281493.2 and 6 more transcripts); c.3704+3A>G (NM_001406805.1, NM_001406797.1, NM_001406801.1 and 10 more transcripts); c.4097+3A>G (NM_001406795.1); c.3898-125A>G (NM_001406802.1); c.4007+3A>G (NM_001406813.1); c.3476+3A>G (NM_001406807.1, NM_001406799.1, NM_001406806.1); c.*22+3A>G (NM_001406800.1); and 9 more.
Identifiers: ClinVar variation 4658151 (VCV004658151.1).

ClinVar aggregate classification (germline): Uncertain significance (1 of 4 stars; one submission).

Conditions:
Hereditary cancer-predisposing syndrome. Also called: Neoplastic Syndromes, Hereditary; Tumor predisposition; Hereditary Cancer Syndrome; Hereditary neoplastic syndrome. Identifiers: Orphanet 140162, MedGen C0027672, MeSH D009386, MONDO:0015356.

Submission:

Ambry Genetics
Classification: Uncertain significance for Hereditary cancer-predisposing syndrome. Last evaluated: 2025-12-03. Review status: criteria provided, single submitter. Criteria: Ambry Variant Classification Scheme 2023. Collection method: clinical testing. Allele origin: germline.
Comment: The c.4001+3A>G intronic variant results from an A to G substitution 3 nucleotides after coding exon 9 in the MSH6 gene. This nucleotide position is highly conserved in available vertebrate species. In silico splice site analysis predicts that this alteration may weaken the native splice donor site. Based on the available evidence, the clinical significance of this variant remains unclear.